The following is an entry in ClinVar:

ClinVar aggregate classification (germline): Uncertain significance (1 of 4 stars; one submission).

Conditions:
Supravalvar aortic stenosis (SVAS). Also called: Supravalvar aortic stenosis, Eisenberg type. Identifiers: Orphanet 3193, MedGen C0003499, MONDO:0008504, OMIM 185500, HP:0004381.

Submission:

Labcorp Genetics (formerly Invitae), Labcorp
Classification: Uncertain significance for Supravalvar aortic stenosis. Last evaluated: 2026-01-25. Review status: criteria provided, single submitter. Criteria: Invitae Variant Classification Sherloc (09022015). Collection method: clinical testing. Allele origin: germline.
Comment: This sequence change replaces leucine, which is neutral and non-polar, with methionine, which is neutral and non-polar, at codon 621 of the ELN protein (p.Leu621Met). This variant is not present in population databases (gnomAD no frequency). This variant has not been reported in the literature in individuals affected with ELN-related conditions. Experimental studies and prediction algorithms are not available or were not evaluated, and the functional significance of this variant is currently unknown. In summary, the available evidence is currently insufficient to determine the role of this variant in disease. Therefore, it has been classified as a Variant of Uncertain Significance.

NM_000501.4(ELN):c.1747+27C>A

Genes: ELN-AS1 (ELN antisense RNA 1; minus strand), ELN (elastin; plus strand). Cytogenetic location: 7q11.23.
Variant type: single nucleotide variant.
Coding change: c.1747+27C>A on transcript NM_000501.4 (MANE Select); 27 bases into the intron after coding-DNA position 1747, C replaced by A.
Molecular consequence: intron variant. On other transcripts: missense variant (1).
Genome position (GRCh38, 1-based): chr7:74,060,528, C>A. VCF-style: chr7-74060528-C-A. GRCh37 (hg19) VCF-style: chr7-73474858-C-A.
Other names: c.1861C>A, p.Leu621Met (NM_001278939.2); c.1762+27C>A (NM_001081754.3); c.1705+27C>A (NM_001081753.3); c.1765+27C>A (NM_001278915.2); c.1747+27C>A (NM_001278912.2); c.1690+27C>A (NM_001081755.3); c.1603+27C>A (NM_001278916.2); c.1504+27C>A (NM_001278913.2); and 4 more; short protein forms L621M.
Identifiers: ClinVar variation 4735937 (VCV004735937.1).
Genomic context (GRCh38, chr7:74,060,528, plus strand): 5'-GGAGTTGGTGCTGGTGTTCCTGGCTTCGGGGCAGGTGCAGATGAGGGAGTTAGGCGGAGC[C>A]TGTCCCCTGAGCTCAGGGAAGGAGATCCCTCCTCCTCTCAGCACCTCCCCAGCACCCCCT-3'